The following is an entry in ClinVar:

NM_016111.4(TELO2):c.1947C>T (p.Ala649=)

Gene: TELO2 (telomere maintenance 2; plus strand). Cytogenetic location: 16p13.3.
Variant type: single nucleotide variant.
Coding change: c.1947C>T on transcript NM_016111.4 (MANE Select); coding-DNA position 1947, C replaced by T.
Protein change: p.Ala649=; no amino-acid change (alanine 649 retained).
Molecular consequence: synonymous variant.
Genome position (GRCh38, 1-based): chr16:1,505,514, C>T. VCF-style: chr16-1505514-C-T. GRCh37 (hg19) VCF-style: chr16-1555515-C-T.
Other names: c.1947C>T, p.Ala649= (NM_001351846.2); c.1947C>T (NM_016111.3).
Identifiers: ClinVar variation 2072896 (VCV002072896.6), dbSNP rs149800782, ClinGen allele CA7812401.

ClinVar aggregate classification (germline): Benign. Review status: criteria provided, single submitter (1 of 4 stars). 2 submissions from 2 submitters: Benign (1). 1 of the submissions does not count toward it. Last evaluated 2025-11-09.

Conditions:
TELO2-related disorder. Also called: TELO2-related condition.

Allele frequency attached by ClinVar (database versions not stated): ExAC 0.00017; ESP Exome Variant Server 0.00039; 1000 Genomes Project 0.00060; gnomAD 0.00062; TOPMed 0.00068; 1000 Genomes Project 30x 0.00078.
gnomAD v4.1: 181 of 1,613,084 alleles (0.011%); highest among the groups gnomAD compares: African/African-American, 0.2%; no homozygotes.

Submissions (2):

Labcorp Genetics (formerly Invitae), Labcorp
Classification: Benign. Last evaluated: 2025-11-09. Review status: criteria provided, single submitter. Criteria: Invitae Variant Classification Sherloc (09022015). Collection method: clinical testing. Allele origin: germline.

PreventionGenetics, part of Exact Sciences
Classification: Likely benign for TELO2-related condition. Last evaluated: 2022-08-02. Review status: no assertion criteria provided. Collection method: clinical testing. Allele origin: germline. Not counted in ClinVar's aggregate classification.
Comment: This variant is classified as likely benign based on ACMG/AMP sequence variant interpretation guidelines (Richards et al. 2015 PMID: 25741868, with internal and published modifications).